The following is an entry in ClinVar:

NM_001851.6(COL9A1):c.2562T>C (p.Pro854=)

Gene: COL9A1 (collagen type IX alpha 1 chain; minus strand). Cytogenetic location: 6q13.
Variant type: single nucleotide variant.
Coding change: c.2562T>C on transcript NM_001851.6 (MANE Select); coding-DNA position 2562, T replaced by C.
Protein change: p.Pro854=; no amino-acid change (proline 854 retained).
Molecular consequence: synonymous variant. On other transcripts: non-coding transcript variant (1).
Genome position (GRCh38, 1-based): chr6:70,225,951, A>G on the plus strand (T>C on the coding strand, the complement: COL9A1 is on the minus strand). VCF-style: chr6-70225951-A-G. GRCh37 (hg19) VCF-style: chr6-70935654-A-G.
Other names: c.1863T>C, p.Pro621= (NM_001377289.1); c.1686T>C, p.Pro562= (NM_001377290.1); c.1833T>C, p.Pro611= (NM_078485.4).
Identifiers: ClinVar variation 197002 (VCV000197002.20), dbSNP rs1135057, ClinGen allele CA244879.

ClinVar aggregate classification (germline): Conflicting classifications of pathogenicity. Review status: criteria provided, conflicting classifications (1 of 4 stars). 6 submissions from 6 submitters: Uncertain significance (1); Benign (2); Likely benign (1). 2 of the submissions do not count toward it. Last evaluated 2026-01-08.

Conditions:
Connective tissue disorder. Also called: Connective tissue disease. Identifiers: MedGen C0009782, MONDO:0003900.

Allele frequency attached by ClinVar (database versions not stated): gnomAD 0.00001 and 0.00046; TOPMed 0.00005; gnomAD exomes 0.00100 and 0.00211; ExAC 0.00230; 1000 Genomes Project 30x 0.00453; 1000 Genomes Project 0.00479.
gnomAD v4.1: 1,521 of 1,614,036 alleles (0.094%); highest among the groups gnomAD compares: South Asian, 1.6%; 38 homozygotes.

Submissions (6):

Labcorp Genetics (formerly Invitae), Labcorp
Classification: Benign. Last evaluated: 2026-01-08. Review status: criteria provided, single submitter. Criteria: Invitae Variant Classification Sherloc (09022015). Collection method: clinical testing. Allele origin: germline.

Genome Diagnostics Laboratory, The Hospital for Sick Children
Classification: Likely benign for Connective tissue disorder. Last evaluated: 2021-05-21. Review status: criteria provided, single submitter. Criteria: ACMG Guidelines, 2015. Collection method: clinical testing. Allele origin: germline.

GeneDx
Classification: Benign. Last evaluated: 2017-09-21. Review status: criteria provided, single submitter. Criteria: GeneDx Variant Classification (06012015). Collection method: clinical testing. Allele origin: germline. Affected: yes.
Comment: This variant is considered likely benign or benign based on one or more of the following criteria: it is a conservative change, it occurs at a poorly conserved position in the protein, it is predicted to be benign by multiple in silico algorithms, and/or has population frequency not consistent with disease.

Eurofins Ntd Llc (ga)
Classification: Uncertain significance. Last evaluated: 2014-10-30. Review status: criteria provided, single submitter. Criteria: EGL Classification Definitions 2015. Collection method: clinical testing. Allele origin: germline. Observed: 1 variant allele, 1 heterozygote.

Clinical Genetics DNA and cytogenetics Diagnostics Lab, Erasmus MC, Erasmus Medical Center
Classification: Likely benign. Review status: no assertion criteria provided. Collection method: clinical testing. Allele origin: germline. Affected: yes. Study: VKGL Data-share Consensus. Not counted in ClinVar's aggregate classification.

Clinical Genetics, Academic Medical Center
Classification: Benign. Review status: no assertion criteria provided. Collection method: clinical testing. Allele origin: germline. Affected: yes. Study: VKGL Data-share Consensus. Not counted in ClinVar's aggregate classification.